The following is an entry in ClinVar:

NM_000089.4(COL1A2):c.211C>T (p.Pro71Ser)

Gene: COL1A2 (collagen type I alpha 2 chain; plus strand). Cytogenetic location: 7q21.3.
Variant type: single nucleotide variant.
Coding change: c.211C>T on transcript NM_000089.4 (MANE Select); coding-DNA position 211, C replaced by T.
Protein change: p.Pro71Ser; replaces proline 71 with serine.
Molecular consequence: missense variant.
Genome position (GRCh38, 1-based): chr7:94,400,274, C>T. VCF-style: chr7-94400274-C-T. GRCh37 (hg19) VCF-style: chr7-94029586-C-T.
Other names: short protein forms P71S.
Identifiers: ClinVar variation 2583050 (VCV002583050.25), dbSNP rs775240284, ClinGen allele CA4346552.

ClinVar aggregate classification (germline): Uncertain significance (1 of 4 stars; one submission).

Allele frequency attached by ClinVar (database versions not stated): ExAC 0.00001.

Submission:

CeGaT Center for Human Genetics Tuebingen
Classification: Uncertain significance. Last evaluated: 2023-09-01. Review status: criteria provided, single submitter. Criteria: CeGaT Center For Human Genetics Tuebingen Variant Classification Criteria Version 2. Collection method: clinical testing. Allele origin: germline. Affected: yes. Observed: 1 variant allele.
Comment: COL1A2: PM2